The following is an entry in ClinVar:

ClinVar aggregate classification (germline): Pathogenic. Review status: criteria provided, multiple submitters, no conflicts (2 of 4 stars). 3 submissions from 3 submitters: Pathogenic (2). 1 of the submissions does not count toward it. Last evaluated 2024-12-08.

Conditions:
Clark-Baraitser syndrome. Also called: BARAITSER SYNDROME; Mental retardation, tall stature, obesity, macrocephaly and typical facial features; Intellectual disability, autosomal dominant 49; MENTAL RETARDATION, AUTOSOMAL DOMINANT 49. Identifiers: Orphanet 600731, MedGen C2931130, MONDO:0030914, OMIM 617752.

Submissions (3):

GeneDx
Classification: Pathogenic. Last evaluated: 2024-12-08. Review status: criteria provided, single submitter. Criteria: GeneDx Variant Classification Process June 2021. Collection method: clinical testing. Allele origin: germline. Affected: yes.
Comment: Frameshift variant predicted to result in protein truncation or nonsense mediated decay in a gene for which loss of function is a known mechanism of disease; Not observed at significant frequency in large population cohorts (gnomAD); This variant is associated with the following publications: (PMID: 35982159, 33057194, 27479843, 27848077)

Juno Genomics, Hangzhou Juno Genomics, Inc
Classification: Pathogenic for Clark-Baraitser syndrome. Review status: criteria provided, single submitter. Criteria: ACMG Guidelines, 2015. Collection method: clinical testing. Allele origin: germline. Affected: yes.
Comment: Null variant in a gene where loss of function (LOF) is a known mechanism of disease.;Absent from controls (or at extremely low frequency if recessive) in Genome Aggregation Database, Exome Sequencing Project, 1000 Genomes Project, or Exome Aggregation Consortium.;The prevalence of the variant in affected individuals is significantly increased compared to the prevalence in controls.;Assumed de novo, but without confirmation of paternity and maternity.

OMIM
Classification: Pathogenic for CLARK-BARAITSER SYNDROME. Last evaluated: 2020-04-15. Review status: no assertion criteria provided. Collection method: literature only. Allele origin: germline. Not counted in ClinVar's aggregate classification.

Literature cited by the submitters: PubMed 27848077 (cited by OMIM); PubMed 27479843 (cited by OMIM).

NM_001348323.3(TRIP12):c.586_587del (p.Ser196fs)

Gene: TRIP12 (thyroid hormone receptor interactor 12; minus strand). Cytogenetic location: 2q36.3.
Variant type: Microsatellite.
Coding change: c.586_587del on transcript NM_001348323.3 (MANE Select); coding-DNA positions 586 to 587, 2 bases deleted (AG; older notation c.586_587delAG).
Protein change: p.Ser196fs; shifts the reading frame from serine 196.
Molecular consequence: frameshift variant. On other transcripts: intron variant (1).
Genome position (GRCh38, 1-based): chr2:229,859,212-229,859,213, CT deleted on the plus strand (AG on the coding strand, the reverse complement: TRIP12 is on the minus strand); deleting any 2 consecutive bases within chr2:229,859,212-229,859,217 gives the same sequence; the c. name uses the placement nearest the transcript's 3' end. VCF-style (leftmost placement, unchanged base first): chr2-229859211-ACT-A. GRCh37 (hg19) VCF-style: chr2-230723927-ACT-A.
Other names: c.460_461del (NM_004238.2); c.586_587del, p.Ser196fs (NM_001348324.2, NM_001348325.2, NM_001348326.2 and 15 more transcripts); c.460_461del, p.Ser154fs (NM_001348331.1, NM_001284215.2, NM_001348316.2 and 3 more transcripts); c.98+20765AG[2] (NM_001284216.2); short protein forms S154fs, S196fs.
Identifiers: ClinVar variation 446136 (VCV000446136.6), dbSNP rs1553704327, ClinGen allele CA658653766.